The following is an entry in ClinVar:

ClinVar aggregate classification (germline): Conflicting classifications of pathogenicity. Review status: criteria provided, conflicting classifications (1 of 4 stars). 3 submissions from 3 submitters: Likely pathogenic (1); Uncertain significance (1). 1 of the submissions does not count toward it. Last evaluated 2025-05-05.

Conditions:
Nephronophthisis 3 (NPHP3). Also called: Adolescent nephronophthisis. Identifiers: Orphanet 655, MedGen C1858392, MONDO:0011456, OMIM 604387.
NPHP3-related Meckel-like syndrome. Also called: GOLDSTON SYNDROME; Meckel syndrome type 7. Identifiers: Orphanet 3032, MedGen C2673885, MONDO:0009966, OMIM 267010.
Renal-hepatic-pancreatic dysplasia 1 (RHPD1). Identifiers: MedGen C3715199, MONDO:0008833, OMIM 208540.

Allele frequency attached by ClinVar (database versions not stated): TOPMed below 0.00001; gnomAD 0.00001; gnomAD exomes 0.00001 and 0.00002; ExAC 0.00002; 1000 Genomes Project 30x 0.00016; 1000 Genomes Project 0.00020.

Submissions (3):

Women's Health and Genetics/Laboratory Corporation of America, LabCorp
Classification: Uncertain significance. Last evaluated: 2025-05-05. Review status: criteria provided, single submitter. Criteria: LabCorp Variant Classification Summary - May 2015. Collection method: clinical testing. Allele origin: germline.
Comment: Variant summary: NPHP3 c.2918G>A (p.Arg973Gln) results in a conservative amino acid change in the encoded protein sequence. Algorithms developed to predict the effect of missense changes on protein structure and function are either unavailable or do not agree on the potential impact of this missense change. The variant allele was found at a frequency of 1.6e-05 in 251054 control chromosomes (gnomAD). c.2918G>A has been observed in individuals affected with clinical features of NPHP3-related disorders (Bergmann_2008, Knig_2022). These data indicate that the variant may be associated with disease. To our knowledge, no experimental evidence demonstrating an impact on protein function has been reported. The following publications have been ascertained in the context of this evaluation (PMID: 18371931, 36090483). ClinVar contains an entry for this variant (Variation ID: 2637). Based on the evidence outlined above, the variant was classified as VUS-possibly pathogenic.

Fulgent Genetics
Classification: Likely pathogenic for Renal-hepatic-pancreatic dysplasia 1; NPHP3-related Meckel-like syndrome; Nephronophthisis 3. Last evaluated: 2024-03-12. Review status: criteria provided, single submitter. Criteria: ACMG Guidelines, 2015. Collection method: clinical testing. Allele origin: germline.

OMIM
Classification: Pathogenic for RENAL-HEPATIC-PANCREATIC DYSPLASIA 1. Last evaluated: 2008-04-01. Review status: no assertion criteria provided. Collection method: literature only. Allele origin: germline. Not counted in ClinVar's aggregate classification.

Literature cited by the submitters: PubMed 36090483 (cited by Women's Health and Genetics/Laboratory Corporation of America, LabCorp); PubMed 18371931 (cited by Women's Health and Genetics/Laboratory Corporation of America, LabCorp and OMIM); PubMed 8874114 (cited by OMIM).

NM_153240.5(NPHP3):c.2918G>A (p.Arg973Gln)

Genes: NPHP3-ACAD11 (NPHP3-ACAD11 readthrough (NMD candidate); minus strand), NPHP3 (nephrocystin 3; minus strand). Cytogenetic location: 3q22.1.
Variant type: single nucleotide variant.
Coding change: c.2918G>A on transcript NM_153240.5 (MANE Select); coding-DNA position 2918, G replaced by A.
Protein change: p.Arg973Gln; replaces arginine 973 with glutamine.
Molecular consequence: missense variant. On other transcripts: non-coding transcript variant (1).
Genome position (GRCh38, 1-based): chr3:132,688,857, C>T on the plus strand (G>A on the coding strand, the complement: NPHP3 is on the minus strand). VCF-style: chr3-132688857-C-T. GRCh37 (hg19) VCF-style: chr3-132407701-C-T.
Other names: short protein forms R973Q.
Identifiers: ClinVar variation 2637 (VCV000002637.3), dbSNP rs119456963, ClinGen allele CA115657.